The following is an entry in ClinVar:

NM_001849.4(COL6A2):c.112C>T (p.Pro38Ser)

Gene: COL6A2 (collagen type VI alpha 2 chain; plus strand). Cytogenetic location: 21q22.3.
Variant type: single nucleotide variant.
Coding change: c.112C>T on transcript NM_001849.4 (MANE Select); coding-DNA position 112, C replaced by T.
Protein change: p.Pro38Ser; replaces proline 38 with serine.
Molecular consequence: missense variant.
Genome position (GRCh38, 1-based): chr21:46,111,588, C>T. VCF-style: chr21-46111588-C-T. GRCh37 (hg19) VCF-style: chr21-47531502-C-T.
Other names: c.112C>T (NM_001849.3); c.112C>T, p.Pro38Ser (NM_058174.3, NM_058175.3); short protein forms P38S.
Identifiers: ClinVar variation 1052814 (VCV001052814.10), dbSNP rs2078399168, ClinGen allele CA410519759.

ClinVar aggregate classification (germline): Uncertain significance. Review status: criteria provided, multiple submitters, no conflicts (2 of 4 stars). 2 submissions from 2 submitters: Uncertain significance (2). Last evaluated 2025-09-15.

Conditions:
Bethlem myopathy 1A. Also called: Bethlem Muscular Dystrophy; MYOPATHY, BENIGN CONGENITAL, WITH CONTRACTURES; Bethlem myopathy 1. Identifiers: Orphanet 610, MedGen CN029274, MONDO:0024530, OMIM 158810.

Allele frequency attached by ClinVar (database versions not stated): gnomAD exomes below 0.00001; TOPMed 0.00001.

Submissions (2):

Labcorp Genetics (formerly Invitae), Labcorp
Classification: Uncertain significance for Bethlem myopathy 1A. Last evaluated: 2025-09-15. Review status: criteria provided, single submitter. Criteria: Invitae Variant Classification Sherloc (09022015). Collection method: clinical testing. Allele origin: germline.
Comment: This sequence change replaces proline, which is neutral and non-polar, with serine, which is neutral and polar, at codon 38 of the COL6A2 protein (p.Pro38Ser). This variant is not present in population databases (gnomAD no frequency). This variant has not been reported in the literature in individuals affected with COL6A2-related conditions. ClinVar contains an entry for this variant (Variation ID: 1052814). Invitae Evidence Modeling of protein sequence and biophysical properties (such as structural, functional, and spatial information, amino acid conservation, physicochemical variation, residue mobility, and thermodynamic stability) indicates that this missense variant is not expected to disrupt COL6A2 protein function with a negative predictive value of 95%. In summary, the available evidence is currently insufficient to determine the role of this variant in disease. Therefore, it has been classified as a Variant of Uncertain Significance.

GeneDx
Classification: Uncertain significance. Last evaluated: 2024-04-14. Review status: criteria provided, single submitter. Criteria: GeneDx Variant Classification Process June 2021. Collection method: clinical testing. Allele origin: germline. Affected: yes.
Comment: Not observed at significant frequency in large population cohorts (gnomAD); In silico analysis indicates that this missense variant does not alter protein structure/function; Has not been previously published as pathogenic or benign to our knowledge